The following is an entry in ClinVar:

ClinVar aggregate classification (germline): Pathogenic (1 of 4 stars; one submission).

Submission:

Labcorp Genetics (formerly Invitae), Labcorp
Classification: Pathogenic. Last evaluated: 2021-12-23. Review status: criteria provided, single submitter. Criteria: Invitae Variant Classification Sherloc (09022015). Collection method: clinical testing. Allele origin: germline.
Comment: This sequence change creates a premature translational stop signal (p.Cys375Trpfs*14) in the MYO6 gene. It is expected to result in an absent or disrupted protein product. Loss-of-function variants in MYO6 are known to be pathogenic (PMID: 12687499, 18348273, 23767834, 25999546, 30582396). This variant is not present in population databases (gnomAD no frequency). This variant has not been reported in the literature in individuals affected with MYO6-related conditions. For these reasons, this variant has been classified as Pathogenic.

Literature cited by the submitters: PubMed 12687499; PubMed 18348273; PubMed 23767834; PubMed 25999546; PubMed 30582396.

NM_004999.4(MYO6):c.1125del (p.Cys375fs)

Gene: MYO6 (myosin VI; plus strand). Cytogenetic location: 6q14.1.
Variant type: Deletion.
Coding change: c.1125del on transcript NM_004999.4 (MANE Select); coding-DNA position 1125, one base deleted (T; older notation c.1125delT).
Protein change: p.Cys375fs; shifts the reading frame from cysteine 375.
Molecular consequence: frameshift variant. On other transcripts: non-coding transcript variant (1).
Genome position (GRCh38, 1-based): chr6:75,855,185, T deleted. VCF-style (leftmost placement, unchanged base first): chr6-75855184-GT-G. GRCh37 (hg19) VCF-style: chr6-76564901-GT-G.
Other names: c.1125del, p.Cys375fs (NM_001300899.2, NM_001368136.1, NM_001368137.1 and 2 more transcripts); c.1110del, p.Cys370fs (NM_001368138.1); short protein forms C375fs, C370fs.
Identifiers: ClinVar variation 2055978 (VCV002055978.4), dbSNP rs2535245730, ClinGen allele CA2580075851.